The following is an entry in ClinVar:

NM_000540.3(RYR1):c.14393T>C (p.Val4798Ala)

Gene: RYR1 (ryanodine receptor 1; plus strand). Cytogenetic location: 19q13.2.
Variant type: single nucleotide variant.
Coding change: c.14393T>C on transcript NM_000540.3 (MANE Select); coding-DNA position 14393, T replaced by C.
Protein change: p.Val4798Ala; replaces valine 4798 with alanine.
Molecular consequence: missense variant.
Genome position (GRCh38, 1-based): chr19:38,580,010, T>C. VCF-style: chr19-38580010-T-C. GRCh37 (hg19) VCF-style: chr19-39070650-T-C.
Other names: c.14378T>C, p.Val4793Ala (NM_001042723.2); short protein forms V4793A, V4798A.
Identifiers: ClinVar variation 3071299 (VCV003071299.1), dbSNP rs758252507, ClinGen allele CA061211.

ClinVar aggregate classification (germline): Uncertain significance (1 of 4 stars; one submission).

Conditions:
Malignant hyperthermia, susceptibility to, 1 (MHS1). Also called: Anesthesia related hyperthermia; Malignant hyperpyrexia; Fulminating hyperpyrexia; Pharmacogenic myopathy; RYR1-Related Malignant Hyperthermia Susceptibility; Malignant hyperthermia suceptibility 1. Identifiers: Orphanet 423, MedGen C2930980, MONDO:0007783, OMIM 145600.

Allele frequency attached by ClinVar (database versions not stated): gnomAD exomes below 0.00001; ExAC 0.00002.
gnomAD v4.1: 2 of 1,614,120 alleles (0.00012%); highest among the groups gnomAD compares: Non-Finnish European, 0.00017%; no homozygotes.

Submission:

All of Us Research Program, National Institutes of Health
Classification: Uncertain significance for Malignant hyperthermia, susceptibility to, 1. Last evaluated: 2023-05-31. Review status: criteria provided, single submitter. Criteria: ACMG Guidelines, 2015. Collection method: clinical testing. Allele origin: germline. Inheritance: Autosomal dominant inheritance. Observed: 1 variant allele, 1 heterozygote.
Comment: This study involves interpretation of variants in research participants for the purpose of population health screening. Participant phenotype was not available at the time of variant classification. Additional details can be found in publication PMID: 35346344, PMCID: PMC8962531